The following is an entry in ClinVar:

ClinVar aggregate classification (germline): Uncertain significance. Review status: criteria provided, multiple submitters, no conflicts (2 of 4 stars). 4 submissions from 4 submitters: Uncertain significance (3). 1 of the submissions does not count toward it. Last evaluated 2026-02-13.

Conditions:
Ehlers-Danlos syndrome, classic type, 1 (EDSCL1). Also called: EHLERS-DANLOS SYNDROME, GRAVIS TYPE; EHLERS-DANLOS SYNDROME, SEVERE CLASSIC TYPE; Ehlers-Danlos Syndrome, Classic Type, COL5A1-Related; EDS I; Ehlers-Danlos syndrome, type 1. Identifiers: MedGen C0268335, MONDO:0019567, OMIM 130000.
Ehlers-Danlos syndrome, classic type, 2 (EDSCL2). Also called: Ehlers-Danlos syndrome type 2 (formerly); Ehlers-Danlos Syndrome, Classic Type, COL5A2-Related; Ehlers-Danlos syndrome, type 2. Identifiers: Orphanet 287, Orphanet 90318, MedGen C0268336, MONDO:0019568, OMIM 130010.

Allele frequency attached by ClinVar (database versions not stated): TOPMed 0.00003; gnomAD 0.00003; ExAC 0.00001.
gnomAD v4.1: 20 of 1,612,774 alleles (0.0012%); highest among the groups gnomAD compares: East Asian, 0.0067%; no homozygotes.

Submissions (4):

Women's Health and Genetics/Laboratory Corporation of America, LabCorp
Classification: Uncertain significance. Last evaluated: 2026-02-13. Review status: criteria provided, single submitter. Criteria: LabCorp Variant Classification Summary - May 2015. Collection method: clinical testing. Allele origin: germline.
Comment: Variant summary: COL5A2 c.1181C>T (p.Ala394Val) results in a non-conservative amino acid change in the encoded protein sequence. Algorithms developed to predict the effect of missense changes on protein structure and function all suggest that this variant is likely to be disruptive. The variant allele was found at a frequency of 8e-06 in 249352 control chromosomes. The available data on variant occurrences in the general population are insufficient to allow any conclusion about variant significance. To our knowledge, no occurrence of c.1181C>T in individuals affected with COL5A2-related conditions and no experimental evidence demonstrating its impact on protein function have been reported. ClinVar contains an entry for this variant (Variation ID: 393154). Based on the evidence outlined above, the variant was classified as uncertain significance.

Labcorp Genetics (formerly Invitae), Labcorp
Classification: Uncertain significance for Ehlers-Danlos syndrome, classic type, 1. Last evaluated: 2024-09-17. Review status: criteria provided, single submitter. Criteria: Invitae Variant Classification Sherloc (09022015). Collection method: clinical testing. Allele origin: germline.
Comment: This sequence change replaces alanine, which is neutral and non-polar, with valine, which is neutral and non-polar, at codon 394 of the COL5A2 protein (p.Ala394Val). This variant is present in population databases (rs370121305, gnomAD 0.006%). This variant has not been reported in the literature in individuals affected with COL5A2-related conditions. ClinVar contains an entry for this variant (Variation ID: 393154). Invitae Evidence Modeling of protein sequence and biophysical properties (such as structural, functional, and spatial information, amino acid conservation, physicochemical variation, residue mobility, and thermodynamic stability) indicates that this missense variant is not expected to disrupt COL5A2 protein function with a negative predictive value of 80%. In summary, the available evidence is currently insufficient to determine the role of this variant in disease. Therefore, it has been classified as a Variant of Uncertain Significance.

GeneDx
Classification: Uncertain significance. Last evaluated: 2024-08-15. Review status: criteria provided, single submitter. Criteria: GeneDx Variant Classification Process June 2021. Collection method: clinical testing. Allele origin: germline. Affected: yes.
Comment: Has not been previously published as pathogenic or benign to our knowledge; Not observed at significant frequency in large population cohorts (gnomAD); In silico analysis indicates that this missense variant does not alter protein structure/function

Zotz-Klimas Genetics Lab, MVZ Zotz Klimas
Classification: Uncertain significance for Ehlers-Danlos syndrome, classic type, 2. Last evaluated: 2023-10-30. Review status: no assertion criteria provided. Collection method: clinical testing. Allele origin: germline. Affected: yes. Not counted in ClinVar's aggregate classification.

NM_000393.5(COL5A2):c.1181C>T (p.Ala394Val)

Gene: COL5A2 (collagen type V alpha 2 chain; minus strand). Cytogenetic location: 2q32.2.
Variant type: single nucleotide variant.
Coding change: c.1181C>T on transcript NM_000393.5 (MANE Select); coding-DNA position 1181, C replaced by T.
Protein change: p.Ala394Val; replaces alanine 394 with valine.
Molecular consequence: missense variant.
Genome position (GRCh38, 1-based): chr2:189,068,862, G>A on the plus strand (C>T on the coding strand, the complement: COL5A2 is on the minus strand). VCF-style: chr2-189068862-G-A. GRCh37 (hg19) VCF-style: chr2-189933588-G-A.
Other names: short protein forms A394V.
Identifiers: ClinVar variation 393154 (VCV000393154.8), dbSNP rs370121305, ClinGen allele CA2022789.